The following is an entry in ClinVar:

NM_013451.4(MYOF):c.2895C>T (p.Ser965=)

Gene: MYOF (myoferlin; minus strand). Cytogenetic location: 10q23.33.
Variant type: single nucleotide variant.
Coding change: c.2895C>T on transcript NM_013451.4 (MANE Select); coding-DNA position 2895, C replaced by T.
Protein change: p.Ser965=; no amino-acid change (serine 965 retained).
Molecular consequence: synonymous variant.
Genome position (GRCh38, 1-based): chr10:93,361,531, G>A on the plus strand (C>T on the coding strand, the complement: MYOF is on the minus strand). VCF-style: chr10-93361531-G-A. GRCh37 (hg19) VCF-style: chr10-95121288-G-A.
Other names: NC_000010.10:g.95121288G>A; c.2856C>T, p.Ser952= (NM_133337.3).
Identifiers: ClinVar variation 3034344 (VCV003034344.3), dbSNP rs116994405, ClinGen allele CA5607676.

ClinVar aggregate classification (germline): Benign (0 of 4 stars; one submission).

Conditions:
MYOF-related disorder. Also called: MYOF-related condition.

Allele frequency attached by ClinVar (database versions not stated): ESP Exome Variant Server 0.00008; gnomAD 0.00066; TOPMed 0.00104; ExAC 0.00136; 1000 Genomes Project 30x 0.00375; 1000 Genomes Project 0.00419.
gnomAD v4.1: 756 of 1,614,154 alleles (0.047%); highest among the groups gnomAD compares: East Asian, 1.3%; 5 homozygotes.

Submissions (4):

PreventionGenetics, part of Exact Sciences
Classification: Benign for MYOF-related condition. Last evaluated: 2019-06-18. Review status: no assertion criteria provided. Collection method: clinical testing. Allele origin: germline.
Comment: This variant is classified as benign based on ACMG/AMP sequence variant interpretation guidelines (Richards et al. 2015 PMID: 25741868, with internal and published modifications).

Dr. Peter K. Rogan Lab, Western University
No classification provided (evidence only). Condition: Clear cell carcinoma of kidney. Review status: no classification provided. Collection method: in vitro. Allele origin: not applicable. Functional consequence: retained intron. Not counted in ClinVar's aggregate classification.

Dr. Peter K. Rogan Lab, Western University
No classification provided (evidence only). Condition: Clear cell carcinoma of kidney. Review status: no classification provided. Collection method: in vitro. Allele origin: not applicable. Functional consequence: retained intron. Not counted in ClinVar's aggregate classification.

Dr. Peter K. Rogan Lab, Western University
No classification provided (evidence only). Condition: Gastric cancer. Review status: no classification provided. Collection method: in vitro. Allele origin: not applicable. Functional consequence: retained intron. Not counted in ClinVar's aggregate classification.